The following is an entry in ClinVar:

ClinVar aggregate classification (germline): Uncertain significance (1 of 4 stars; one submission).

Conditions:
Autosomal dominant Parkinson disease 8. Also called: Parkinson disease 8, susceptibility to; LRRK2-Related Parkinson Disease; Parkinson disease 8. Identifiers: Orphanet 411602, MedGen C1846862, MONDO:0011764, OMIM 607060.

Allele frequency attached by ClinVar (database versions not stated): gnomAD 0.00002 and 0.00003; TOPMed 0.00002.
gnomAD v4.1: 12 of 1,612,460 alleles (0.00074%); highest among the groups gnomAD compares: Non-Finnish European, 0.00093%; no homozygotes.

Submission:

Labcorp Genetics (formerly Invitae), Labcorp
Classification: Uncertain significance for Autosomal dominant Parkinson disease 8. Last evaluated: 2021-10-15. Review status: criteria provided, single submitter. Criteria: Invitae Variant Classification Sherloc (09022015). Collection method: clinical testing. Allele origin: germline.
Comment: In summary, the available evidence is currently insufficient to determine the role of this variant in disease. Therefore, it has been classified as a Variant of Uncertain Significance. Algorithms developed to predict the effect of sequence changes on RNA splicing suggest that this variant may create or strengthen a splice site. Algorithms developed to predict the effect of missense changes on protein structure and function (SIFT, PolyPhen-2, Align-GVGD) all suggest that this variant is likely to be tolerated. This variant has not been reported in the literature in individuals affected with LRRK2-related conditions. This variant is not present in population databases (ExAC no frequency). This sequence change replaces histidine with arginine at codon 385 of the LRRK2 protein (p.His385Arg). The histidine residue is weakly conserved and there is a small physicochemical difference between histidine and arginine.

NM_198578.4(LRRK2):c.1154A>G (p.His385Arg)

Gene: LRRK2 (leucine rich repeat kinase 2; plus strand). Cytogenetic location: 12q12.
Variant type: single nucleotide variant.
Coding change: c.1154A>G on transcript NM_198578.4 (MANE Select); coding-DNA position 1154, A replaced by G.
Protein change: p.His385Arg; replaces histidine 385 with arginine.
Molecular consequence: missense variant.
Genome position (GRCh38, 1-based): chr12:40,251,517, A>G. VCF-style: chr12-40251517-A-G. GRCh37 (hg19) VCF-style: chr12-40645319-A-G.
Other names: short protein forms H385R.
Identifiers: ClinVar variation 1367291 (VCV001367291.6), dbSNP rs201929195, ClinGen allele CA235357709.
Genomic context (GRCh38, chr12:40,251,517, plus strand): 5'-TAATCCAGGAGGCCGCATGCTGGGCACTAAATAATCTCCTTATGTACCAAAACAGTTTAC[A>G]TGAGAAGATTGGAGATGAAGATGGCCAGTTAGTAGTTTTGATTTTATATGATAGAAAATT-3'
Protein context (NP_940980.4, residues 375-395): NNLLMYQNSL[His385Arg]EKIGDEDGHF